The following is an entry in ClinVar:

ClinVar aggregate classification (germline): Conflicting classifications of pathogenicity. Review status: criteria provided, conflicting classifications (1 of 4 stars). 3 submissions from 3 submitters: Uncertain significance (1); Benign (1); Likely benign (1). Last evaluated 2025-08-29.

Submissions (3):

Labcorp Genetics (formerly Invitae), Labcorp
Classification: Uncertain significance. Last evaluated: 2025-08-29. Review status: criteria provided, single submitter. Criteria: Invitae Variant Classification Sherloc (09022015). Collection method: clinical testing. Allele origin: germline.
Comment: This sequence change creates a premature translational stop signal (p.Gly907Serfs*20) in the A2ML1 gene. It is expected to result in an absent or disrupted protein product. However, the current clinical and genetic evidence is not sufficient to establish whether loss-of-function variants in A2ML1 cause disease. This variant is present in population databases (rs560609581, gnomAD 0.02%). This variant has not been reported in the literature in individuals affected with A2ML1-related conditions. ClinVar contains an entry for this variant (Variation ID: 997876). In summary, the available evidence is currently insufficient to determine the role of this variant in disease. Therefore, it has been classified as a Variant of Uncertain Significance.

Blueprint Genetics
Classification: Likely benign. Last evaluated: 2024-03-18. Review status: criteria provided, single submitter. Criteria: ACMG Guidelines, 2015. Collection method: clinical testing. Allele origin: germline.

Women's Health and Genetics/Laboratory Corporation of America, LabCorp
Classification: Benign. Last evaluated: 2021-02-08. Review status: criteria provided, single submitter. Criteria: LabCorp Variant Classification Summary - May 2015. Collection method: clinical testing. Allele origin: germline.
Comment: Variant summary: A2ML1 c.2719_2720delGG (p.Gly907SerfsX20) results in a premature termination codon, predicted to cause a truncation of the encoded protein or absence of the protein due to nonsense mediated decay, which are not commonly known mechanisms for Noonan Syndrome and Related Conditions in the A2ML1 gene. Truncations in A2ML1 have been classified as benign by our laboratory (e.g. c.1444_1445delAG (p.Ser482ProfsX2), c.3676_3677delGC (p.Ala1226GlnfsX34), c.4261C>T (p.Gln1421X)). The variant allele was found at a frequency of 7.2e-05 in 249444 control chromosomes, predominantly at a frequency of 0.00014 within the Non-Finnish European subpopulation in the gnomAD database. The observed variant frequency within Non-Finnish European control individuals in the gnomAD database is approximately 35 fold of the estimated maximal expected allele frequency for a pathogenic variant in A2ML1 causing Noonan Syndrome phenotype (4e-06), strongly suggesting that the variant is a benign polymorphism. To our knowledge, no occurrence of c.2719_2720delGG in individuals affected with Noonan Syndrome and no experimental evidence demonstrating its impact on protein function have been reported. No clinical diagnostic laboratories have submitted clinical-significance assessments for this variant to ClinVar after 2014. Based on the evidence outlined above, the variant was classified as benign.

NM_144670.6(A2ML1):c.2719_2720del (p.Gly907fs)

Gene: A2ML1 (alpha-2-macroglobulin like 1; plus strand). Cytogenetic location: 12p13.31.
Variant type: Deletion.
Coding change: c.2719_2720del on transcript NM_144670.6 (MANE Select); coding-DNA positions 2719 to 2720, 2 bases deleted (GG; older notation c.2719_2720delGG).
Protein change: p.Gly907fs; shifts the reading frame from glycine 907.
Molecular consequence: frameshift variant.
Genome position (GRCh38, 1-based): chr12:8,854,786-8,854,787, GG deleted; deleting any 2 consecutive bases within chr12:8,854,785-8,854,787 gives the same sequence; the c. name uses the placement nearest the transcript's 3' end. VCF-style (leftmost placement, unchanged base first): chr12-8854784-AGG-A. GRCh37 (hg19) VCF-style: chr12-9007380-AGG-A.
Other names: c.1246_1247del, p.Gly416fs (NM_001282424.3); short protein forms G416fs, G907fs.
Identifiers: ClinVar variation 997876 (VCV000997876.7), dbSNP rs560609581, ClinGen allele CA6436112.